The following is an entry in ClinVar:

NC_000005.9:g.(?_138221881)_(138283182_?)dup

Genes: CTNNA1 (catenin alpha 1; plus strand), SIL1 (SIL1 nucleotide exchange factor; minus strand). Cytogenetic location: 5q31.2.
Variant type: Duplication.
Identifiers: ClinVar variation 3246480 (VCV003246480.1).

ClinVar aggregate classification (germline): Uncertain significance (1 of 4 stars; one submission).

Submission:

Labcorp Genetics (formerly Invitae), Labcorp
Classification: Uncertain significance. Last evaluated: 2022-11-02. Review status: criteria provided, single submitter. Criteria: Invitae Variant Classification Sherloc (09022015). Collection method: clinical testing. Allele origin: unknown.
Comment: In summary, the available evidence is currently insufficient to determine the role of this variant in disease. Therefore, it has been classified as a Variant of Uncertain Significance. This variant has not been reported in the literature in individuals affected with CTNNA1-related conditions. This variant results in a copy number gain of the genomic region encompassing exon(s) 8-18 of the CTNNA1 gene. This region includes the termination codon of the gene. This copy number gain extends beyond the assayed region for this gene and therefore may encompass additional genes. As the precise location of this event is unknown, it may be in tandem or it may be located elsewhere in the genome.